The following is an entry in ClinVar:

NM_001081550.2(THOC2):c.1319C>T (p.Pro440Leu)

Gene: THOC2 (THO complex subunit 2; minus strand). Cytogenetic location: Xq25.
Variant type: single nucleotide variant.
Coding change: c.1319C>T on transcript NM_001081550.2 (MANE Select); coding-DNA position 1319, C replaced by T.
Protein change: p.Pro440Leu; replaces proline 440 with leucine.
Molecular consequence: missense variant.
Genome position (GRCh38, 1-based): chrX:123,665,709, G>A on the plus strand (C>T on the coding strand, the complement: THOC2 is on the minus strand). VCF-style: chrX-123665709-G-A. GRCh37 (hg19) VCF-style: chrX-122799560-G-A.
Other names: c.1319C>T, p.Pro440Leu (NM_001441235.1, NM_001441236.1); short protein forms P440L.
Identifiers: ClinVar variation 4755812 (VCV004755812.1).

ClinVar aggregate classification (germline): Uncertain significance (1 of 4 stars; one submission).

Submission:

GeneDx
Classification: Uncertain significance. Last evaluated: 2025-07-31. Review status: criteria provided, single submitter. Criteria: GeneDx Variant Classification Process June 2021. Collection method: clinical testing. Allele origin: germline. Affected: yes.
Comment: Not observed at significant frequency in large population cohorts (gnomAD); In silico analysis supports that this missense variant has a deleterious effect on protein structure/function; Has not been previously published as pathogenic or benign to our knowledge